The following is an entry in ClinVar:

ClinVar aggregate classification (germline): Likely benign (1 of 4 stars; one submission).

Conditions:
GLIS3-related disorder. Also called: GLIS3-related condition.

gnomAD v4.1: 9 of 1,613,950 alleles (0.00056%); highest among the groups gnomAD compares: African/African-American, 0.011%; no homozygotes.

Submission:

PreventionGenetics, part of Exact Sciences
Classification: Likely benign for GLIS3-related condition. Last evaluated: 2026-08-19. Review status: criteria provided, single submitter. Criteria: ACMG Guidelines, 2015. Collection method: clinical testing. Allele origin: germline.
Comment: This variant is classified as likely benign based on ACMG/AMP sequence variant interpretation guidelines (Richards et al. 2015 PMID: 25741868, with internal and published modifications).

NM_001042413.2(GLIS3):c.2193A>G (p.Pro731=)

Gene: GLIS3 (GLIS family zinc finger 3; minus strand). Cytogenetic location: 9p24.2.
Variant type: single nucleotide variant.
Coding change: c.2193A>G on transcript NM_001042413.2 (MANE Select); coding-DNA position 2193, A replaced by G.
Protein change: p.Pro731=; no amino-acid change (proline 731 retained).
Molecular consequence: synonymous variant.
Genome position (GRCh38, 1-based): chr9:3,879,531, T>C on the plus strand (A>G on the coding strand, the complement: GLIS3 is on the minus strand). VCF-style: chr9-3879531-T-C. GRCh37 (hg19) VCF-style: chr9-3879531-T-C.
Other names: c.2193A>G, p.Pro731= (NM_001438906.1, NM_001438907.1, NM_001438908.1); c.1728A>G, p.Pro576= (NM_001438909.1, NM_152629.4); c.1527A>G, p.Pro509= (NM_001438911.1, NM_001438912.1).
Identifiers: ClinVar variation 4983551 (VCV004983551.1).